The following is an entry in ClinVar:

NC_000005.9:g.(?_88100395)_(88100638_?)del

Gene: MEF2C (myocyte enhancer factor 2C; minus strand). Cytogenetic location: 5q14.3.
Variant type: Deletion.
Identifiers: ClinVar variation 2424428 (VCV002424428.6).

ClinVar aggregate classification (germline): Pathogenic (1 of 4 stars; one submission).

Conditions:
Neurodevelopmental disorder with hypotonia, stereotypic hand movements, and impaired language. Also called: Intellectual disability, autosomal dominant 20. Identifiers: Orphanet 228384, Orphanet 664410, MedGen C3150700, MONDO:0013266, OMIM 613443.

Submission:

Labcorp Genetics (formerly Invitae), Labcorp
Classification: Pathogenic for Neurodevelopmental disorder with hypotonia, stereotypic hand movements, and impaired language. Last evaluated: 2022-05-09. Review status: criteria provided, single submitter. Criteria: Invitae Variant Classification Sherloc (09022015). Collection method: clinical testing. Allele origin: germline.
Comment: For these reasons, this variant has been classified as Pathogenic. This variant disrupts a region of the MEF2C protein in which other variant(s) (p.Tyr57Cys) have been determined to be pathogenic (Invitae). This suggests that this is a clinically significant region of the protein, and that variants that disrupt it are likely to be disease-causing. This variant has not been reported in the literature in individuals affected with MEF2C-related conditions. This variant is a gross deletion of the genomic region encompassing exon(s) 3 of the MEF2C gene. This variant would be expected to be in-frame, preserving the integrity of the reading frame.